The following is an entry in ClinVar:

ClinVar aggregate classification (germline): Uncertain significance (1 of 4 stars; one submission).

gnomAD v4.1: 1 of 1,613,960 alleles (0.000062%); no homozygotes.

Submission:

GeneDx
Classification: Uncertain significance. Last evaluated: 2025-02-17. Review status: criteria provided, single submitter. Criteria: GeneDx Variant Classification Process June 2021. Collection method: clinical testing. Allele origin: germline.
Comment: Not observed at significant frequency in large population cohorts (gnomAD); In silico analysis supports that this missense variant has a deleterious effect on protein structure/function; Has not been previously published as pathogenic or benign to our knowledge

NM_001829.4(CLCN3):c.1229C>G (p.Ala410Gly)

Gene: CLCN3 (Cl-/H+ antiporter 3; plus strand). Cytogenetic location: 4q33.
Variant type: single nucleotide variant.
Coding change: c.1229C>G on transcript NM_001829.4 (MANE Select); coding-DNA position 1229, C replaced by G.
Protein change: p.Ala410Gly; replaces alanine 410 with glycine.
Molecular consequence: missense variant.
Genome position (GRCh38, 1-based): chr4:169,697,400, C>G. VCF-style: chr4-169697400-C-G. GRCh37 (hg19) VCF-style: chr4-170618551-C-G.
Other names: c.1148C>G, p.Ala383Gly (NM_001243372.2, NM_001243374.2); c.1229C>G, p.Ala410Gly (NM_173872.4); short protein forms A383G, A410G.
Identifiers: ClinVar variation 2412899 (VCV002412899.4), dbSNP rs2477056650, ClinGen allele CA358739514.